The following is an entry in ClinVar:

NM_002838.5(PTPRC):c.2726T>C (p.Leu909Ser)

Gene: PTPRC (protein tyrosine phosphatase receptor type C; plus strand). Cytogenetic location: 1q32.1.
Variant type: single nucleotide variant.
Coding change: c.2726T>C on transcript NM_002838.5 (MANE Select); coding-DNA position 2726, T replaced by C.
Protein change: p.Leu909Ser; replaces leucine 909 with serine.
Molecular consequence: missense variant.
Genome position (GRCh38, 1-based): chr1:198,744,082, T>C. VCF-style: chr1-198744082-T-C. GRCh37 (hg19) VCF-style: chr1-198713211-T-C.
Other names: c.2243T>C, p.Leu748Ser (NM_080921.4); short protein forms L748S, L909S.
Identifiers: ClinVar variation 2125134 (VCV002125134.3), dbSNP rs1201281140, ClinGen allele CA344051431.

ClinVar aggregate classification (germline): Uncertain significance (1 of 4 stars; one submission).

Conditions:
Immunodeficiency 104. Also called: Severe combined immunodeficiency, autosomal recessive, T cell-negative, B cell-positive, NK cell-positive; SCID, AUTOSOMAL RECESSIVE, T CELL-NEGATIVE, B CELL-POSITIVE, NK CELL-POSITIVE; IMMUNODEFICIENCY 104, SEVERE COMBINED; Severe Combined Immune Deficiency, Autosomal Recessive, TCell -Negative, B Cell-Positive, NK Cell-Positive, IL7R-Related. Identifiers: MedGen C5676890, MONDO:0012163, OMIM 608971.

Allele frequency attached by ClinVar (database versions not stated): gnomAD exomes below 0.00001; TOPMed below 0.00001.
gnomAD v4.1: 6 of 1,605,666 alleles (0.00037%); highest among the groups gnomAD compares: Admixed American, 0.005%; no homozygotes.

Submission:

Labcorp Genetics (formerly Invitae), Labcorp
Classification: Uncertain significance for Immunodeficiency 104. Last evaluated: 2024-05-07. Review status: criteria provided, single submitter. Criteria: Invitae Variant Classification Sherloc (09022015). Collection method: clinical testing. Allele origin: germline.
Comment: This sequence change replaces leucine, which is neutral and non-polar, with serine, which is neutral and polar, at codon 909 of the PTPRC protein (p.Leu909Ser). This variant is present in population databases (no rsID available, gnomAD 0.009%). This variant has not been reported in the literature in individuals affected with PTPRC-related conditions. ClinVar contains an entry for this variant (Variation ID: 2125134). An algorithm developed to predict the effect of missense changes on protein structure and function (PolyPhen-2) suggests that this variant is likely to be disruptive. In summary, the available evidence is currently insufficient to determine the role of this variant in disease. Therefore, it has been classified as a Variant of Uncertain Significance.